The following is an entry in ClinVar:

NM_000836.4(GRIN2D):c.1762ATG[1] (p.Met589del)

Gene: GRIN2D (glutamate ionotropic receptor NMDA type subunit 2D; plus strand). Cytogenetic location: 19q13.33.
Variant type: Microsatellite.
Coding change: c.1762ATG[1] on transcript NM_000836.4 (MANE Select); one copy of the 3-base unit ATG starting at c.1762; the reference has two copies in a row; one copy, 3 bases deleted.
Protein change: p.Met589del; deletes methionine 589.
Genome position (GRCh38, 1-based): chr19:48,419,263-48,419,265, ATG deleted; deleting any 3 consecutive bases within chr19:48,419,258-48,419,265 gives the same sequence; the position shown is the placement nearest the transcript's 3' end. VCF-style (leftmost placement, unchanged base first): chr19-48419257-GTGA-G. GRCh37 (hg19) VCF-style: chr19-48922514-GTGA-G.
Other names: short protein forms M589del.
Identifiers: ClinVar variation 3725727 (VCV003725727.2).

ClinVar aggregate classification (germline): Likely pathogenic (1 of 4 stars; one submission).

Submission:

Labcorp Genetics (formerly Invitae), Labcorp
Classification: Likely pathogenic. Last evaluated: 2025-01-19. Review status: criteria provided, single submitter. Criteria: Invitae Variant Classification Sherloc (09022015). Collection method: clinical testing. Allele origin: germline.
Comment: This variant, c.1765_1767del, results in the deletion of 1 amino acid(s) of the GRIN2D protein (p.Met589del), but otherwise preserves the integrity of the reading frame. This variant is not present in population databases (gnomAD no frequency). This variant has been observed in individual(s) with clinical features of GRIN2D-related conditions (internal data). In at least one individual the variant was observed to be de novo. In summary, the currently available evidence indicates that the variant is pathogenic, but additional data are needed to prove that conclusively. Therefore, this variant has been classified as Likely Pathogenic.